The following is an entry in ClinVar:

NM_000321.3(RB1):c.1049+5T>C

Gene: RB1 (RB transcriptional corepressor 1; plus strand). Cytogenetic location: 13q14.2.
Variant type: single nucleotide variant.
Coding change: c.1049+5T>C on transcript NM_000321.3 (MANE Select); 5 bases into the intron after coding-DNA position 1049, T replaced by C.
Molecular consequence: intron variant.
Genome position (GRCh38, 1-based): chr13:48,367,608, T>C. VCF-style: chr13-48367608-T-C. GRCh37 (hg19) VCF-style: chr13-48941744-T-C.
Identifiers: ClinVar variation 1776250 (VCV001776250.3), dbSNP rs1593448511, ClinGen allele CA2580087569.
Genomic context (GRCh38, chr13:48,367,608, plus strand): 5'-GATGCAAGATTATTTTTGGATCATGATAAAACTCTTCAGACTGATTCTATAGACAGGTAT[T>C]GCACATGGTATATTTGATTGATTTGCTTTAGATATAGGTTGATACTGATATAGGTAGATT-3'

ClinVar aggregate classification (germline): Uncertain significance (1 of 4 stars; one submission).

Conditions:
Hereditary cancer-predisposing syndrome. Also called: Tumor predisposition; Hereditary Cancer Syndrome; Hereditary neoplastic syndrome; Neoplastic Syndromes, Hereditary. Identifiers: Orphanet 140162, MedGen C0027672, MeSH D009386, MONDO:0015356.

Allele frequency attached by ClinVar (database versions not stated): gnomAD exomes below 0.00001.
gnomAD v4.1: 3 of 1,601,804 alleles (0.00019%); highest among the groups gnomAD compares: Non-Finnish European, 0.00026%; no homozygotes.

Submission:

Ambry Genetics
Classification: Uncertain significance for Hereditary cancer-predisposing syndrome. Last evaluated: 2026-02-03. Review status: criteria provided, single submitter. Criteria: Ambry Variant Classification Scheme 2023. Collection method: clinical testing. Allele origin: germline.
Comment: The c.1049+5T>C intronic variant results from a T to C substitution 5 nucleotides after coding exon 10 in the RB1 gene. This nucleotide position is highly conserved in available vertebrate species. In silico splice site analysis predicts that this alteration will not have any significant effect on splicing. Based on the available evidence, the clinical significance of this variant remains unclear.